The following is an entry in ClinVar:

ClinVar aggregate classification (germline): Likely benign. Review status: criteria provided, multiple submitters, no conflicts (2 of 4 stars). 6 submissions from 6 submitters: Likely benign (6). Last evaluated 2025-09-02.

Conditions:
Cardiomyopathy (CMYO). Also called: Cardiomyopathies. Identifiers: Orphanet 167848, MedGen C0878544, MONDO:0004994, HP:0001638. Inheritance: Various modes of inheritance.
Lethal congenital glycogen storage disease of heart. Also called: GLYCOGEN STORAGE DISEASE OF HEART; PHOSPHORYLASE KINASE DEFICIENCY OF HEART. Identifiers: Orphanet 439854, MedGen C1849813, MONDO:0009867, OMIM 261740.
Cardiovascular phenotype. Identifiers: MedGen CN230736.
Hypertrophic cardiomyopathy. Also called: HYPERTROPHIC MYOCARDIOPATHY. Identifiers: Orphanet 217569, MedGen C0007194, MeSH D002312, MONDO:0005045, HP:0001639.

gnomAD v4.1: 55 of 1,614,120 alleles (0.0034%); highest among the groups gnomAD compares: South Asian, 0.041%; no homozygotes.

Submissions (6):

Labcorp Genetics (formerly Invitae), Labcorp
Classification: Likely benign for Lethal congenital glycogen storage disease of heart. Last evaluated: 2025-09-02. Review status: criteria provided, single submitter. Criteria: Invitae Variant Classification Sherloc (09022015). Collection method: clinical testing. Allele origin: germline.

Ambry Genetics
Classification: Likely benign for Cardiovascular phenotype. Last evaluated: 2024-08-15. Review status: criteria provided, single submitter. Criteria: Ambry Variant Classification Scheme 2023. Collection method: clinical testing. Allele origin: germline.

All of Us Research Program, National Institutes of Health
Classification: Likely benign for Hypertrophic cardiomyopathy. Last evaluated: 2023-06-28. Review status: criteria provided, single submitter. Criteria: ACMG Guidelines, 2015. Collection method: clinical testing. Allele origin: germline. Inheritance: Autosomal dominant inheritance. Observed: 2 variant alleles, 2 heterozygotes.
Comment: This study involves interpretation of variants in research participants for the purpose of population health screening. Participant phenotype was not available at the time of variant classification. Additional details can be found in publication PMID: 35346344, PMCID: PMC8962531

Color Diagnostics, LLC DBA Color Health
Classification: Likely benign for Cardiomyopathy. Last evaluated: 2019-09-30. Review status: criteria provided, single submitter. Criteria: ACMG Guidelines, 2015. Collection method: clinical testing. Allele origin: germline.

CHEO Genetics Diagnostic Laboratory, Children's Hospital of Eastern Ontario
Classification: Likely benign for Cardiomyopathy. Last evaluated: 2019-03-11. Review status: criteria provided, single submitter. Criteria: ACMG Guidelines, 2015. Collection method: clinical testing. Allele origin: germline.

GeneDx
Classification: Likely benign. Last evaluated: 2017-12-05. Review status: criteria provided, single submitter. Criteria: GeneDx Variant Classification (06012015). Collection method: clinical testing. Allele origin: germline. Affected: yes.
Comment: This variant is considered likely benign or benign based on one or more of the following criteria: it is a conservative change, it occurs at a poorly conserved position in the protein, it is predicted to be benign by multiple in silico algorithms, and/or has population frequency not consistent with disease.

NM_016203.4(PRKAG2):c.591C>A (p.Pro197=)

Gene: PRKAG2 (protein kinase AMP-activated non-catalytic subunit gamma 2; minus strand). Cytogenetic location: 7q36.1.
Variant type: single nucleotide variant.
Coding change: c.591C>A on transcript NM_016203.4 (MANE Select); coding-DNA position 591, C replaced by A.
Protein change: p.Pro197=; no amino-acid change (proline 197 retained).
Molecular consequence: synonymous variant.
Genome position (GRCh38, 1-based): chr7:151,675,513, G>T on the plus strand (C>A on the coding strand, the complement: PRKAG2 is on the minus strand). VCF-style: chr7-151675513-G-T. GRCh37 (hg19) VCF-style: chr7-151372599-G-T.
Other names: c.459C>A, p.Pro153= (NM_001040633.2); c.219C>A, p.Pro73= (NM_001304527.2, NM_001363698.2).
Identifiers: ClinVar variation 516405 (VCV000516405.15), dbSNP rs587781126, ClinGen allele CA057604.
Genomic context (GRCh38, chr7:151,675,513, plus strand): 5'-CAGTGGAGGCCTGGTCGGGCTCTGGAAGGAAGACGGGCAGAACCTCTGCCCTGTGTCCGG[G>T]GGGGAAGACGAGGCATAGATGCGATTCTCTAACCGTTCAGGCTCGTGCTTATAGGATTCC-3'
Protein context (NP_057287.2, residues 187-207): LENRIYASSS[Pro197=]PDTGQRFCPS